The following is an entry in ClinVar:

ClinVar aggregate classification (germline): Uncertain significance (1 of 4 stars; one submission).

Allele frequency attached by ClinVar (database versions not stated): TOPMed below 0.00001; ExAC 0.00001.
gnomAD v4.1: 2 of 1,613,910 alleles (0.00012%); highest among the groups gnomAD compares: Admixed American, 0.0033%; no homozygotes.

Submission:

Labcorp Genetics (formerly Invitae), Labcorp
Classification: Uncertain significance. Last evaluated: 2022-08-23. Review status: criteria provided, single submitter. Criteria: Invitae Variant Classification Sherloc (09022015). Collection method: clinical testing. Allele origin: germline.
Comment: In summary, the available evidence is currently insufficient to determine the role of this variant in disease. Therefore, it has been classified as a Variant of Uncertain Significance. Algorithms developed to predict the effect of missense changes on protein structure and function (SIFT, PolyPhen-2, Align-GVGD) all suggest that this variant is likely to be tolerated. This variant has not been reported in the literature in individuals affected with DMXL2-related conditions. This variant is present in population databases (rs751162658, gnomAD 0.006%). This sequence change replaces threonine, which is neutral and polar, with serine, which is neutral and polar, at codon 1283 of the DMXL2 protein (p.Thr1283Ser).

NM_001378457.1(DMXL2):c.3847A>T (p.Thr1283Ser)

Gene: DMXL2 (Dmx like 2; minus strand). Cytogenetic location: 15q21.2.
Variant type: single nucleotide variant.
Coding change: c.3847A>T on transcript NM_001378457.1 (MANE Select); coding-DNA position 3847, A replaced by T.
Protein change: p.Thr1283Ser; replaces threonine 1283 with serine.
Molecular consequence: missense variant. On other transcripts: non-coding transcript variant (2), intron variant (2).
Genome position (GRCh38, 1-based): chr15:51,499,377, T>A on the plus strand (A>T on the coding strand, the complement: DMXL2 is on the minus strand). VCF-style: chr15-51499377-T-A. GRCh37 (hg19) VCF-style: chr15-51791574-T-A.
Other names: c.3847A>T, p.Thr1283Ser (NM_001174116.3, NM_001378458.1, NM_001378459.1 and 4 more transcripts); c.3607A>T, p.Thr1203Ser (NM_001378464.1); c.2765-7630A>T (NM_001378460.1); c.2765-4243A>T (NM_001174117.3); short protein forms T1283S, T1203S.
Identifiers: ClinVar variation 1962576 (VCV001962576.4), dbSNP rs751162658, ClinGen allele CA7562107.
Genomic context (GRCh38, chr15:51,499,377, plus strand): 5'-ATTTAAAGGTCGAATGATCTTGCATTGCTGCCTCTTCTGCATTAGAACTATCAGCTTCAG[T>A]GTCTCCAAATTTGACAGCATGCTTCCACTGTGCATATACATGCATTTCACAATCCATTCC-3'
Protein context (NP_001365386.1, residues 1273-1293): QWKHAVKFGD[Thr1283Ser]EADSSNAEEA